The following is an entry in ClinVar:

ClinVar aggregate classification (germline): Uncertain significance. Review status: criteria provided, multiple submitters, no conflicts (2 of 4 stars). 2 submissions from 2 submitters: Uncertain significance (2). Last evaluated 2022-12-21.

Allele frequency attached by ClinVar (database versions not stated): gnomAD 0.00014 and 0.00015; 1000 Genomes Project 0.00020; TOPMed 0.00034.
gnomAD v4.1: 64 of 1,613,062 alleles (0.004%); highest among the groups gnomAD compares: Admixed American, 0.042%; no homozygotes.

Submissions (2):

Blueprint Genetics
Classification: Uncertain significance. Last evaluated: 2022-12-21. Review status: criteria provided, single submitter. Criteria: ACMG Guidelines, 2015. Collection method: clinical testing. Allele origin: germline.

Laboratory for Molecular Medicine, Mass General Brigham Personalized Medicine
Classification: Uncertain significance. Last evaluated: 2016-06-20. Review status: criteria provided, single submitter. Criteria: LMM Criteria. Collection method: clinical testing. Allele origin: germline. Observed: 2 variant alleles.
Comment: This variant has been iden tified in 2/11518 Latino chromosomes by the Exome Aggregation Consortium (ExAC; dbSNP rs566386133); however, its frequency is no t high enough to rule out a pathogenic role. Computational prediction tools and conservation analysis are limited or unavailable for this variant. In summary, t he clinical significance of the p.Arg1578Cys variant is uncertain.

NM_001384140.1(PCDH15):c.4671+1223C>T

Gene: PCDH15 (protocadherin related 15; minus strand). Cytogenetic location: 10q21.1.
Variant type: single nucleotide variant.
Coding change: c.4671+1223C>T on transcript NM_001384140.1 (MANE Select); 1223 bases into the intron after coding-DNA position 4671, C replaced by T.
Molecular consequence: intron variant. On other transcripts: missense variant (2), 3 prime UTR variant (1).
Genome position (GRCh38, 1-based): chr10:53,809,333, G>A on the plus strand (C>T on the coding strand, the complement: PCDH15 is on the minus strand). VCF-style: chr10-53809333-G-A. GRCh37 (hg19) VCF-style: chr10-55569093-G-A.
Other names: c.4732C>T, p.Arg1578Cys (NM_001142769.4); c.*147C>T (NM_001142770.3); c.4711C>T, p.Arg1571Cys (NM_001354411.2); c.4476+1223C>T (NM_001354420.2); c.4605+1223C>T (NM_001354429.2); c.4482+1223C>T (NM_001142772.2); c.4497+1223C>T (NM_001142771.2); short protein forms R1578C, R1571C.
Identifiers: ClinVar variation 178900 (VCV000178900.6), dbSNP rs566386133, ClinGen allele CA183261.